The following is an entry in ClinVar:

NM_016035.5(COQ4):c.780C>T (p.His260=)

Gene: COQ4 (coenzyme Q4; plus strand). Cytogenetic location: 9q34.11.
Variant type: single nucleotide variant.
Coding change: c.780C>T on transcript NM_016035.5 (MANE Select); coding-DNA position 780, C replaced by T.
Protein change: p.His260=; no amino-acid change (histidine 260 retained).
Molecular consequence: synonymous variant. On other transcripts: 3 prime UTR variant (1).
Genome position (GRCh38, 1-based): chr9:128,333,627, C>T. VCF-style: chr9-128333627-C-T. GRCh37 (hg19) VCF-style: chr9-131095906-C-T.
Other names: c.*156C>T (NM_001305942.2).
Identifiers: ClinVar variation 515204 (VCV000515204.7), dbSNP rs200203275, ClinGen allele CA5260690.

ClinVar aggregate classification (germline): Likely benign. Review status: criteria provided, multiple submitters, no conflicts (2 of 4 stars). 3 submissions from 3 submitters: Likely benign (3). Last evaluated 2023-12-21.

Conditions:
Neonatal encephalomyopathy-cardiomyopathy-respiratory distress syndrome. Also called: Coenzyme Q10 deficiency, primary, 7. Identifiers: Orphanet 457185, MedGen C5568562, MONDO:0014562, OMIM 616276.

Allele frequency attached by ClinVar (database versions not stated): gnomAD 0.00002 and 0.00003; TOPMed 0.00003; ExAC 0.00005; gnomAD exomes 0.00006; ESP Exome Variant Server 0.00008; 1000 Genomes Project 30x 0.00016; 1000 Genomes Project 0.00020.
gnomAD v4.1: 116 of 1,574,608 alleles (0.0074%); highest among the groups gnomAD compares: East Asian, 0.035%; no homozygotes.

Submissions (3):

Blueprint Genetics
Classification: Likely benign. Last evaluated: 2023-12-21. Review status: criteria provided, single submitter. Criteria: ACMG Guidelines, 2015. Collection method: clinical testing. Allele origin: germline.

Labcorp Genetics (formerly Invitae), Labcorp
Classification: Likely benign for Neonatal encephalomyopathy-cardiomyopathy-respiratory distress syndrome. Last evaluated: 2023-02-09. Review status: criteria provided, single submitter. Criteria: Invitae Variant Classification Sherloc (09022015). Collection method: clinical testing. Allele origin: germline.

GeneDx
Classification: Likely benign. Last evaluated: 2018-02-16. Review status: criteria provided, single submitter. Criteria: GeneDx Variant Classification (06012015). Collection method: clinical testing. Allele origin: germline. Affected: yes.
Comment: This variant is considered likely benign or benign based on one or more of the following criteria: it is a conservative change, it occurs at a poorly conserved position in the protein, it is predicted to be benign by multiple in silico algorithms, and/or has population frequency not consistent with disease.